The following is an entry in ClinVar:

NM_017617.5(NOTCH1):c.6365C>T (p.Pro2122Leu)

Gene: NOTCH1 (notch receptor 1; minus strand). Cytogenetic location: 9q34.3.
Variant type: single nucleotide variant.
Coding change: c.6365C>T on transcript NM_017617.5 (MANE Select); coding-DNA position 6365, C replaced by T.
Protein change: p.Pro2122Leu; replaces proline 2122 with leucine.
Molecular consequence: missense variant.
Genome position (GRCh38, 1-based): chr9:136,497,374, G>A on the plus strand (C>T on the coding strand, the complement: NOTCH1 is on the minus strand). VCF-style: chr9-136497374-G-A. GRCh37 (hg19) VCF-style: chr9-139391826-G-A.
Other names: c.6365C>T, p.Pro2122Leu (LRG_1122t1); short protein forms P2122L.
Identifiers: ClinVar variation 409070 (VCV000409070.11), dbSNP rs767587816, ClinGen allele CA5339922.

ClinVar aggregate classification (germline): Conflicting classifications of pathogenicity. Review status: criteria provided, conflicting classifications (1 of 4 stars). 3 submissions from 3 submitters: Uncertain significance (2); Benign (1). Last evaluated 2025-06-09.

Conditions:
Adams-Oliver syndrome 5 (AOS5). Identifiers: Orphanet 974, MedGen C4014970, MONDO:0014459, OMIM 616028.
Familial thoracic aortic aneurysm and aortic dissection (TAAD). Also called: Thoracic aortic aneurysms and dissections. Identifiers: Orphanet 91387, MedGen C4707243, MONDO:0019625.

Allele frequency attached by ClinVar (database versions not stated): ExAC 0.00001; gnomAD 0.00002; TOPMed 0.00002.
gnomAD v4.1: 15 of 1,608,310 alleles (0.00093%); highest among the groups gnomAD compares: Admixed American, 0.005%; no homozygotes.

Submissions (3):

Labcorp Genetics (formerly Invitae), Labcorp
Classification: Benign for Adams-Oliver syndrome 5. Last evaluated: 2025-06-09. Review status: criteria provided, single submitter. Criteria: Invitae Variant Classification Sherloc (09022015). Collection method: clinical testing. Allele origin: germline.

Blueprint Genetics
Classification: Uncertain significance. Last evaluated: 2024-09-18. Review status: criteria provided, single submitter. Criteria: ACMG Guidelines, 2015. Collection method: clinical testing. Allele origin: germline.

Ambry Genetics
Classification: Uncertain significance for Familial thoracic aortic aneurysm and aortic dissection. Last evaluated: 2018-05-18. Review status: criteria provided, single submitter. Criteria: Ambry Variant Classification Scheme 2023. Collection method: clinical testing. Allele origin: germline.
Comment: The p.P2122L variant (also known as c.6365C>T), located in coding exon 34 of the NOTCH1 gene, results from a C to T substitution at nucleotide position 6365. The proline at codon 2122 is replaced by leucine, an amino acid with similar properties. This variant was detected in a proband with extracranial artery dissections, and a parent with thoracic aortic aneurysm (Guevara C et al. Front Neurol. 2017;8:245). This amino acid position is highly conserved in available vertebrate species. In addition, the in silico prediction for this alteration is inconclusive. Since supporting evidence is limited at this time, the clinical significance of this alteration remains unclear.

Literature cited by the submitters: PubMed 28649221 (cited by Ambry Genetics).